The following is an entry in ClinVar:

NM_001113491.2(SEPTIN9):c.76+13049A>G

Gene: SEPTIN9 (septin 9; plus strand). Cytogenetic location: 17q25.3.
Variant type: single nucleotide variant.
Coding change: c.76+13049A>G on transcript NM_001113491.2 (MANE Select); 13049 bases into the intron after coding-DNA position 76, A replaced by G.
Molecular consequence: intron variant. On other transcripts: 5 prime UTR variant (1).
Genome position (GRCh38, 1-based): chr17:77,320,246, A>G. VCF-style: chr17-77320246-A-G. GRCh37 (hg19) VCF-style: chr17-75316328-A-G.
Other names: c.-81A>G (NM_006640.5); c.19+38692A>G (NM_001293695.2); c.-417+13049A>G (NM_001113492.2).
Identifiers: ClinVar variation 325536 (VCV000325536.8), dbSNP rs140915871, ClinGen allele CA10651148.
Genomic context (GRCh38, chr17:77,320,246, plus strand): 5'-TAGACCAGACAAAGAGTGTTTTTAGAGGAGGAGGAGGAGGAGGAGGAGGCTGAGAGAGGG[A>G]GGGCGACGGGGGTGAGAAAGGGGAGGCCGCCTCTGAGCGGGACGCCGGGACTCCCGCCGC-3'

ClinVar aggregate classification (germline): Benign/Likely benign. Review status: criteria provided, multiple submitters, no conflicts (2 of 4 stars). 3 submissions from 3 submitters: Benign (1); Likely benign (2). Last evaluated 2019-08-13.

Conditions:
Amyotrophic neuralgia (HNA). Also called: AMYOTROPHY, HEREDITARY NEURALGIC; Hereditary Brachial Plexus Neuropathy; Neuritis with Brachial Predilection; AMYOTROPHY, HEREDITARY NEURALGIC, WITH PREDILECTION FOR BRACHIAL PLEXUS. Identifiers: Orphanet 2901, MedGen C1834304, MONDO:0008076, OMIM 162100.

Allele frequency attached by ClinVar (database versions not stated): gnomAD exomes 0.00171; ESP Exome Variant Server 0.00263; gnomAD 0.00960 and 0.01020; TOPMed 0.01058; 1000 Genomes Project 0.01078; 1000 Genomes Project 30x 0.01187.
gnomAD v4.1: 4,150 of 1,610,216 alleles (0.26%); highest among the groups gnomAD compares: African/African-American, 3.2%; 59 homozygotes.

Submissions (3):

GeneDx
Classification: Likely benign. Last evaluated: 2019-08-13. Review status: criteria provided, single submitter. Criteria: GeneDx Variant Classification Process June 2021. Collection method: clinical testing. Allele origin: germline. Affected: yes.

Illumina Laboratory Services, Illumina
Classification: Benign for Amyotrophy, hereditary neuralgic. Last evaluated: 2018-01-13. Review status: criteria provided, single submitter. Criteria: ICSL Variant Classification Criteria 13 December 2019. Collection method: clinical testing. Allele origin: germline.
Comment: This variant was observed in the ICSL laboratory as part of a predisposition screen in an ostensibly healthy population. It had not been previously curated by ICSL or reported in the Human Gene Mutation Database (HGMD: prior to June 1st, 2018), and was therefore a candidate for classification through an automated scoring system. Utilizing variant allele frequency, disease prevalence and penetrance estimates, and inheritance mode, an automated score was calculated to assess if this variant is too frequent to cause the disease. Based on the score and internal cut-off values, a variant classified as benign is not then subjected to further curation. The score for this variant resulted in a classification of benign for this disease.

Breakthrough Genomics
Classification: Likely benign. Review status: criteria provided, single submitter. Criteria: ACMG Guidelines, 2015. Collection method: not provided. Allele origin: germline. Inheritance: Autosomal dominant inheritance. Affected: yes.